The following is an entry in ClinVar:

NM_007272.3(CTRC):c.188T>C (p.Leu63Ser)

Gene: CTRC (chymotrypsin C; plus strand). Cytogenetic location: 1p36.21.
Variant type: single nucleotide variant.
Coding change: c.188T>C on transcript NM_007272.3 (MANE Select); coding-DNA position 188, T replaced by C.
Protein change: p.Leu63Ser; replaces leucine 63 with serine.
Molecular consequence: missense variant.
Genome position (GRCh38, 1-based): chr1:15,440,548, T>C. VCF-style: chr1-15440548-T-C. GRCh37 (hg19) VCF-style: chr1-15767044-T-C.
Other names: short protein forms L63S.
Identifiers: ClinVar variation 5035065 (VCV005035065.1).

ClinVar aggregate classification (germline): Uncertain significance (1 of 4 stars; one submission).

Conditions:
Hereditary pancreatitis (PCTT). Also called: Hereditary chronic pancreatitis; PRSS1-Related Hereditary Pancreatitis. Identifiers: Orphanet 676, MedGen C0238339, MONDO:0008185, OMIM 167800.

Submission:

Ambry Genetics
Classification: Uncertain significance for Hereditary pancreatitis. Last evaluated: 2026-09-12. Review status: criteria provided, single submitter. Criteria: Ambry Variant Classification Scheme 2023. Collection method: clinical testing. Allele origin: germline.
Comment: The p.L63S variant (also known as c.188T>C), located in coding exon 3 of the CTRC gene, results from a T to C substitution at nucleotide position 188. The leucine at codon 63 is replaced by serine, an amino acid with dissimilar properties. This amino acid position is conserved. In addition, this alteration is predicted to be deleterious by in silico analysis. Based on the available evidence, the clinical significance of this variant remains unclear.